The following is an entry in ClinVar:

NM_001271.4(CHD2):c.2802A>G (p.Val934=)

Gene: CHD2 (chromodomain helicase DNA binding protein 2; plus strand). Cytogenetic location: 15q26.1.
Variant type: single nucleotide variant.
Coding change: c.2802A>G on transcript NM_001271.4 (MANE Select); coding-DNA position 2802, A replaced by G.
Protein change: p.Val934=; no amino-acid change (valine 934 retained).
Molecular consequence: synonymous variant.
Genome position (GRCh38, 1-based): chr15:92,979,209, A>G. VCF-style: chr15-92979209-A-G. GRCh37 (hg19) VCF-style: chr15-93522439-A-G.
Identifiers: ClinVar variation 517948 (VCV000517948.18), dbSNP rs544488824, ClinGen allele CA7748073.
Genomic context (GRCh38, chr15:92,979,209, plus strand): 5'-CTTAGTTACAAAGGGGACTGTGGAGGAGGAGATCATAGAACGGGCCAAAAAGAAGATGGT[A>G]TTAGATCATCTGGTGATTCAGCGCATGGACACCACTGGCCGGACGATCCTGGAAAACAAC-3'
Protein context (NP_001262.3, residues 924-944): EIIERAKKKM[Val934=]LDHLVIQRMD

ClinVar aggregate classification (germline): Likely benign. Review status: criteria provided, multiple submitters, no conflicts (2 of 4 stars). 3 submissions from 3 submitters: Likely benign (3). Last evaluated 2025-07-18.

Conditions:
Developmental and epileptic encephalopathy 94 (DEE94). Also called: Epileptic encephalopathy, childhood-onset; CHD2-Related Neurodevelopmental Disorders. Identifiers: Orphanet 1942, Orphanet 2382, MedGen C3809278, MONDO:0014150, OMIM 615369.

Allele frequency attached by ClinVar (database versions not stated): 1000 Genomes Project 30x 0.00016; 1000 Genomes Project 0.00020; ExAC 0.00001; gnomAD 0.00001; gnomAD exomes 0.00002; TOPMed 0.00003.
gnomAD v4.1: 102 of 1,614,090 alleles (0.0063%); highest among the groups gnomAD compares: Non-Finnish European, 0.0082%; no homozygotes.

Submissions (3):

Labcorp Genetics (formerly Invitae), Labcorp
Classification: Likely benign for Developmental and epileptic encephalopathy 94. Last evaluated: 2025-07-18. Review status: criteria provided, single submitter. Criteria: Invitae Variant Classification Sherloc (09022015). Collection method: clinical testing. Allele origin: germline.

CeGaT Center for Human Genetics Tuebingen
Classification: Likely benign. Last evaluated: 2025-06-01. Review status: criteria provided, single submitter. Criteria: CeGaT Center For Human Genetics Tuebingen Variant Classification Criteria Version 2. Collection method: clinical testing. Allele origin: germline. Affected: yes. Observed: 1 variant allele.
Comment: CHD2: BP4, BP7

GeneDx
Classification: Likely benign. Last evaluated: 2017-06-15. Review status: criteria provided, single submitter. Criteria: GeneDx Variant Classification (06012015). Collection method: clinical testing. Allele origin: germline. Affected: yes.
Comment: This variant is considered likely benign or benign based on one or more of the following criteria: it is a conservative change, it occurs at a poorly conserved position in the protein, it is predicted to be benign by multiple in silico algorithms, and/or has population frequency not consistent with disease.